The following is an entry in ClinVar:

NC_000015.9:g.(?_85370695)_(85370856_?)del

Gene: ALPK3 (alpha kinase 3; plus strand). Cytogenetic location: 15q25.3.
Variant type: Deletion.
Identifiers: ClinVar variation 1459164 (VCV001459164.5).

ClinVar aggregate classification (germline): Pathogenic (1 of 4 stars; one submission).

Submission:

Labcorp Genetics (formerly Invitae), Labcorp
Classification: Pathogenic. Last evaluated: 2023-10-08. Review status: criteria provided, single submitter. Criteria: Invitae Variant Classification Sherloc (09022015). Collection method: clinical testing. Allele origin: germline.
Comment: This variant is a gross deletion of the genomic region encompassing exon(s) 3 of the ALPK3 gene. This deletion is out-of-frame, and is expected to create a premature termination codon and result in an absent or disrupted protein product. Loss-of-function variants in ALPK3 are known to be pathogenic (PMID: 21441111, 26846950, 27106955, 34263907). This variant has not been reported in the literature in individuals affected with ALPK3-related conditions. For these reasons, this variant has been classified as Pathogenic.

Literature cited by the submitters: PubMed 21441111; PubMed 26846950; PubMed 27106955; PubMed 34263907.